The following is an entry in ClinVar:

NM_003924.4(PHOX2B):c.432_433delinsTC (p.Trp145Arg)

Gene: PHOX2B (paired like homeobox 2B; minus strand). Cytogenetic location: 4p13.
Variant type: Indel.
Coding change: c.432_433delinsTC on transcript NM_003924.4 (MANE Select); coding-DNA positions 432 to 433, GT replaced by TC.
Protein change: p.Trp145Arg; replaces tryptophan 145 with arginine.
Molecular consequence: missense variant.
Genome position (GRCh38, 1-based): chr4:41,746,319-41,746,320, AC replaced by GA on the plus strand (GT replaced by TC on the coding strand, the reverse complement: PHOX2B is on the minus strand). VCF-style: chr4-41746319-AC-GA. GRCh37 (hg19) VCF-style: chr4-41748336-AC-GA.
Other names: short protein forms W145R.
Identifiers: ClinVar variation 1739695 (VCV001739695.2), dbSNP rs2552096908, ClinGen allele CA2580071017.

ClinVar aggregate classification (germline): Uncertain significance (1 of 4 stars; one submission).

Conditions:
Hereditary cancer-predisposing syndrome. Also called: Hereditary Cancer Syndrome; Hereditary neoplastic syndrome; Neoplastic Syndromes, Hereditary; Tumor predisposition. Identifiers: Orphanet 140162, MedGen C0027672, MeSH D009386, MONDO:0015356.

Submission:

Ambry Genetics
Classification: Uncertain significance for Hereditary cancer-predisposing syndrome. Last evaluated: 2021-03-03. Review status: criteria provided, single submitter. Criteria: Ambry Variant Classification Scheme 2023. Collection method: clinical testing. Allele origin: germline.
Comment: The c.432_433delGTinsTC variant (also known as p.W145R), located in coding exon 3 of the PHOX2B gene, results from an in-frame deletion of GT and insertion of TC at nucleotide positions 432 to 433. This results in the substitution of the tryptophan residue for a arginine residue at codon 145, an amino acid with dissimilar properties. This amino acid position is highly conserved in available vertebrate species. In addition, this alteration is predicted to be deleterious by in silico analysis (Choi Y et al. PLoS ONE. 2012; 7(10):e46688). Since supporting evidence is limited at this time, the clinical significance of this alteration.